The following is an entry in ClinVar:

ClinVar aggregate classification (germline): Uncertain significance. Review status: criteria provided, multiple submitters, no conflicts (2 of 4 stars). 3 submissions from 3 submitters: Uncertain significance (3). Last evaluated 2025-10-10.

Conditions:
Hereditary cancer-predisposing syndrome. Also called: Tumor predisposition; Hereditary Cancer Syndrome; Neoplastic Syndromes, Hereditary; Hereditary neoplastic syndrome. Identifiers: Orphanet 140162, MedGen C0027672, MeSH D009386, MONDO:0015356.

Allele frequency attached by ClinVar (database versions not stated): gnomAD exomes below 0.00001; ExAC 0.00003.
gnomAD v4.1: 14 of 1,593,190 alleles (0.00088%); highest among the groups gnomAD compares: Non-Finnish European, 0.0012%; no homozygotes.

Submissions (3):

Labcorp Genetics (formerly Invitae), Labcorp
Classification: Uncertain significance. Last evaluated: 2025-10-10. Review status: criteria provided, single submitter. Criteria: Invitae Variant Classification Sherloc (09022015). Collection method: clinical testing. Allele origin: germline.
Comment: This sequence change replaces alanine, which is neutral and non-polar, with valine, which is neutral and non-polar, at codon 382 of the SMARCB1 protein (p.Ala382Val). The frequency data for this variant in the population databases is considered unreliable, as metrics indicate poor data quality at this position in the gnomAD database. This variant has not been reported in the literature in individuals affected with SMARCB1-related conditions. ClinVar contains an entry for this variant (Variation ID: 822249). An algorithm developed to predict the effect of missense changes on protein structure and function (PolyPhen-2) suggests that this variant is likely to be tolerated. In summary, the available evidence is currently insufficient to determine the role of this variant in disease. Therefore, it has been classified as a Variant of Uncertain Significance.

GeneDx
Classification: Uncertain significance. Last evaluated: 2024-09-23. Review status: criteria provided, single submitter. Criteria: GeneDx Variant Classification Process June 2021. Collection method: clinical testing. Allele origin: germline. Affected: yes.
Comment: In silico analysis indicates that this missense variant does not alter protein structure/function; Has not been previously published as pathogenic or benign to our knowledge

Ambry Genetics
Classification: Uncertain significance for Hereditary cancer-predisposing syndrome. Last evaluated: 2024-08-30. Review status: criteria provided, single submitter. Criteria: Ambry Variant Classification Scheme 2023. Collection method: clinical testing. Allele origin: germline.
Comment: The p.A382V variant (also known as c.1145C>T), located in coding exon 9 of the SMARCB1 gene, results from a C to T substitution at nucleotide position 1145. The alanine at codon 382 is replaced by valine, an amino acid with similar properties. This amino acid position is highly conserved in available vertebrate species. In addition, the in silico prediction for this alteration is inconclusive. Based on the available evidence, the clinical significance of this variant remains unclear.

NM_003073.5(SMARCB1):c.1145C>T (p.Ala382Val)

Gene: SMARCB1 (SWI/SNF related BAF chromatin remodeling complex subunit B1; plus strand). Cytogenetic location: 22q11.23.
Variant type: single nucleotide variant.
Coding change: c.1145C>T on transcript NM_003073.5 (MANE Select); coding-DNA position 1145, C replaced by T.
Protein change: p.Ala382Val; replaces alanine 382 with valine.
Molecular consequence: missense variant.
Genome position (GRCh38, 1-based): chr22:23,834,167, C>T. VCF-style: chr22-23834167-C-T. GRCh37 (hg19) VCF-style: chr22-24176354-C-T.
Other names: c.1118C>T, p.Ala373Val (NM_001007468.3); c.1172C>T, p.Ala391Val (NM_001317946.2); c.1199C>T, p.Ala400Val (NM_001362877.2); short protein forms A400V, A373V, A382V, A391V.
Identifiers: ClinVar variation 822249 (VCV000822249.9), dbSNP rs756129754, ClinGen allele CA10146130.